The following is an entry in ClinVar:

ClinVar aggregate classification (germline): Uncertain significance (1 of 4 stars; one submission).

Allele frequency attached by ClinVar (database versions not stated): gnomAD exomes below 0.00001.
gnomAD v4.1: 1 of 1,608,242 alleles (0.000062%); highest among the groups gnomAD compares: Non-Finnish European, 0.000085%; no homozygotes.

Submission:

Labcorp Genetics (formerly Invitae), Labcorp
Classification: Uncertain significance. Last evaluated: 2022-08-01. Review status: criteria provided, single submitter. Criteria: Invitae Variant Classification Sherloc (09022015). Collection method: clinical testing. Allele origin: germline.
Comment: In summary, the available evidence is currently insufficient to determine the role of this variant in disease. Therefore, it has been classified as a Variant of Uncertain Significance. Algorithms developed to predict the effect of missense changes on protein structure and function are either unavailable or do not agree on the potential impact of this missense change (SIFT: "Tolerated"; PolyPhen-2: "Probably Damaging"; Align-GVGD: "Class C35"). This variant has not been reported in the literature in individuals affected with HMCN1-related conditions. This variant is not present in population databases (gnomAD no frequency). This sequence change replaces aspartic acid, which is acidic and polar, with glycine, which is neutral and non-polar, at codon 2862 of the HMCN1 protein (p.Asp2862Gly).

NM_031935.3(HMCN1):c.8585A>G (p.Asp2862Gly)

Gene: HMCN1 (hemicentin 1; plus strand). Cytogenetic location: 1q31.1.
Variant type: single nucleotide variant.
Coding change: c.8585A>G on transcript NM_031935.3 (MANE Select); coding-DNA position 8585, A replaced by G.
Protein change: p.Asp2862Gly; replaces aspartic acid 2862 with glycine.
Molecular consequence: missense variant.
Genome position (GRCh38, 1-based): chr1:186,078,206, A>G. VCF-style: chr1-186078206-A-G. GRCh37 (hg19) VCF-style: chr1-186047338-A-G.
Other names: short protein forms D2862G.
Identifiers: ClinVar variation 2124857 (VCV002124857.4), dbSNP rs2527843364, ClinGen allele CA343913864.